The following is an entry in ClinVar:

NM_000458.4(HNF1B):c.252del (p.Asp84fs)

Gene: HNF1B (HNF1 homeobox B; minus strand). Cytogenetic location: 17q12.
Variant type: Deletion.
Coding change: c.252del on transcript NM_000458.4 (MANE Select); coding-DNA position 252, one base deleted (C; older notation c.252delC).
Protein change: p.Asp84fs; shifts the reading frame from aspartic acid 84.
Molecular consequence: frameshift variant.
Genome position (GRCh38, 1-based): chr17:37,744,633, G deleted on the plus strand (C on the coding strand, the reverse complement: HNF1B is on the minus strand). VCF-style (leftmost placement, unchanged base first): chr17-37744632-CG-C. GRCh37 (hg19) VCF-style: chr17-36104623-CG-C.
Other names: c.252del, p.Asp84fs (NM_001165923.4, NM_001304286.2); short protein forms D84fs.
Identifiers: ClinVar variation 635721 (VCV000635721.1), dbSNP rs2511850638, ClinGen allele CA913190802.

ClinVar aggregate classification (germline): Pathogenic (1 of 4 stars; one submission).

Conditions:
Renal cysts and diabetes syndrome (RCAD). Also called: Familial hypoplastic, glomerulocystic kidney; MATURITY-ONSET DIABETES OF THE YOUNG, TYPE 5. Identifiers: Orphanet 93111, MedGen C0431693, MONDO:0007669, OMIM 137920.

Submission:

Institute of Human Genetics, FAU Erlangen, Friedrich-Alexander-Universität Erlangen-Nürnberg
Classification: Pathogenic for Renal cysts and diabetes syndrome. Last evaluated: 2019-07-06. Review status: criteria provided, single submitter. Criteria: ACMG Guidelines, 2015. Collection method: literature only. Allele origin: germline. Affected: yes.
Comment: This variant and it's classification has been reported by Vasileiou et al. 2019; DOI:10.1101/576918. The variants has previously been reported in PMID:28420700 as "c.252del,p.Asp84fs" with clinical significance Pathogenic. It has been re-classified using InterVar and manual curation as Pathogenic based on PVS1 PM2 PP3.

Literature cited by the submitters: PubMed 28420700; DOI 10.1101/576918.